The following is an entry in ClinVar:

NM_033641.4(COL4A6):c.3566-8C>T

Gene: COL4A6 (collagen type IV alpha 6 chain; minus strand). Cytogenetic location: Xq22.3.
Variant type: single nucleotide variant.
Coding change: c.3566-8C>T on transcript NM_033641.4 (MANE Select); 8 bases into the intron before coding-DNA position 3566, C replaced by T.
Molecular consequence: intron variant.
Genome position (GRCh38, 1-based): chrX:108,169,628, G>A on the plus strand (C>T on the coding strand, the complement: COL4A6 is on the minus strand). VCF-style: chrX-108169628-G-A. GRCh37 (hg19) VCF-style: chrX-107412858-G-A.
Other names: c.3569-8C>T (NM_001847.3, NM_001847.4); c.3494-8C>T (NM_001287760.2, NM_001287759.2); c.3617-8C>T (NM_001287758.2).
Identifiers: ClinVar variation 2808221 (VCV002808221.6), dbSNP rs766843100, ClinGen allele CA10487390.
Genomic context (GRCh38, chrX:108,169,628, plus strand): 5'-TCCTTTGGGTCCAGGGAGACCAGCAGGCCCAGGCACACCGGTGATACTAGGTCCTAGGAG[G>A]AGATGCAGGGGTAGGGGGCAGACCTCAGTGGAGGTGAGGCCTTCCTGCCTAACTCACTCG-3'

ClinVar aggregate classification (germline): Likely benign. Review status: criteria provided, multiple submitters, no conflicts (2 of 4 stars). 3 submissions from 3 submitters: Likely benign (2). 1 of the submissions does not count toward it. Last evaluated 2025-12-23.

Conditions:
COL4A6-related disorder. Also called: COL4A6-related condition.

Allele frequency attached by ClinVar (database versions not stated): TOPMed 0.00009; gnomAD 0.00012; gnomAD exomes 0.00022; ExAC 0.00059.
gnomAD v4.1: 272 of 1,203,950 alleles (0.023%); highest among the groups gnomAD compares: Non-Finnish European, 0.024%; no homozygotes.

Submissions (3):

Labcorp Genetics (formerly Invitae), Labcorp
Classification: Likely benign. Last evaluated: 2025-12-23. Review status: criteria provided, single submitter. Criteria: Invitae Variant Classification Sherloc (09022015). Collection method: clinical testing. Allele origin: germline.

Blueprint Genetics
Classification: Likely benign. Last evaluated: 2024-10-25. Review status: criteria provided, single submitter. Criteria: ACMG Guidelines, 2015. Collection method: clinical testing. Allele origin: germline.

PreventionGenetics, part of Exact Sciences
Classification: Likely benign for COL4A6-related condition. Last evaluated: 2019-07-18. Review status: no assertion criteria provided. Collection method: clinical testing. Allele origin: germline. Not counted in ClinVar's aggregate classification.
Comment: This variant is classified as likely benign based on ACMG/AMP sequence variant interpretation guidelines (Richards et al. 2015 PMID: 25741868, with internal and published modifications).